The following is an entry in ClinVar:

NM_001322934.2(NFKB2):c.1120G>A (p.Gly374Ser)

Genes: NFKB2 (nuclear factor kappa B subunit 2; plus strand), LOC130004599 (ATAC-STARR-seq lymphoblastoid silent region 2756; plus strand). Cytogenetic location: 10q24.32.
Variant type: single nucleotide variant.
Coding change: c.1120G>A on transcript NM_001322934.2 (MANE Select); coding-DNA position 1120, G replaced by A.
Protein change: p.Gly374Ser; replaces glycine 374 with serine.
Molecular consequence: missense variant.
Genome position (GRCh38, 1-based): chr10:102,399,290, G>A. VCF-style: chr10-102399290-G-A. GRCh37 (hg19) VCF-style: chr10-104159047-G-A.
Other names: c.1120G>A, p.Gly374Ser (NM_001077494.3, NM_001261403.3, NM_001288724.1 and 1 more transcripts); c.994G>A, p.Gly332Ser (NM_001322935.1); short protein forms G332S, G374S.
Identifiers: ClinVar variation 1482680 (VCV001482680.8), dbSNP rs2135434538, ClinGen allele CA377898578.

ClinVar aggregate classification (germline): Uncertain significance (1 of 4 stars; one submission).

Conditions:
Immunodeficiency, common variable, 10. Also called: IMMUNODEFICIENCY, COMMON VARIABLE, WITH CENTRAL ADRENAL INSUFFICIENCY; DEFICIT IN ANTERIOR PITUITARY FUNCTION AND VARIABLE IMMUNODEFICIENCY. Identifiers: MedGen C3809991, MONDO:0014260, OMIM 615577.

Submission:

Labcorp Genetics (formerly Invitae), Labcorp
Classification: Uncertain significance for Immunodeficiency, common variable, 10. Last evaluated: 2022-11-22. Review status: criteria provided, single submitter. Criteria: Invitae Variant Classification Sherloc (09022015). Collection method: clinical testing. Allele origin: germline.
Comment: ClinVar contains an entry for this variant (Variation ID: 1482680). In summary, the available evidence is currently insufficient to determine the role of this variant in disease. Therefore, it has been classified as a Variant of Uncertain Significance. Algorithms developed to predict the effect of missense changes on protein structure and function output the following: SIFT: "Tolerated"; PolyPhen-2: "Benign"; Align-GVGD: "Class C0". The serine amino acid residue is found in multiple mammalian species, which suggests that this missense change does not adversely affect protein function. This variant has not been reported in the literature in individuals affected with NFKB2-related conditions. This variant is not present in population databases (gnomAD no frequency). This sequence change replaces glycine, which is neutral and non-polar, with serine, which is neutral and polar, at codon 374 of the NFKB2 protein (p.Gly374Ser).